The following is an entry in ClinVar:

NM_001041.4(SI):c.917T>G (p.Ile306Ser)

Gene: SI (sucrase-isomaltase; minus strand). Cytogenetic location: 3q26.1.
Variant type: single nucleotide variant.
Coding change: c.917T>G on transcript NM_001041.4 (MANE Select); coding-DNA position 917, T replaced by G.
Protein change: p.Ile306Ser; replaces isoleucine 306 with serine.
Molecular consequence: missense variant.
Genome position (GRCh38, 1-based): chr3:165,062,474, A>C on the plus strand (T>G on the coding strand, the complement: SI is on the minus strand). VCF-style: chr3-165062474-A-C. GRCh37 (hg19) VCF-style: chr3-164780262-A-C.
Other names: c.917T>G (NM_001041.3); short protein forms I306S.
Identifiers: ClinVar variation 1522260 (VCV001522260.5), dbSNP rs369903847, ClinGen allele CA2691253.

ClinVar aggregate classification (germline): Uncertain significance. Review status: criteria provided, multiple submitters, no conflicts (2 of 4 stars). 3 submissions from 3 submitters: Uncertain significance (3). Last evaluated 2024-01-02.

Conditions:
Inborn genetic diseases. Identifiers: MedGen C0950123, MeSH D030342.
Sucrase-isomaltase deficiency (CSID). Also called: Congenital sucrose isomaltose malabsorption; Sucrose isomaltose enzyme deficiency; Deficiency of isomaltase; SI DEFICIENCY. Identifiers: Orphanet 35122, MedGen C1283620, MONDO:0009114, OMIM 222900.

Allele frequency attached by ClinVar (database versions not stated): gnomAD exomes below 0.00001 and 0.00001; ExAC 0.00001.
gnomAD v4.1: 3 of 1,573,468 alleles (0.00019%); highest among the groups gnomAD compares: East Asian, 0.0022%; no homozygotes.

Submissions (3):

Fulgent Genetics
Classification: Uncertain significance for Sucrase-isomaltase deficiency. Last evaluated: 2024-01-02. Review status: criteria provided, single submitter. Criteria: ACMG Guidelines, 2015. Collection method: clinical testing. Allele origin: germline.

Ambry Genetics
Classification: Uncertain significance for Inborn genetic diseases. Last evaluated: 2023-08-28. Review status: criteria provided, single submitter. Criteria: Ambry Variant Classification Scheme 2023. Collection method: clinical testing. Allele origin: germline.

Labcorp Genetics (formerly Invitae), Labcorp
Classification: Uncertain significance. Last evaluated: 2022-08-23. Review status: criteria provided, single submitter. Criteria: Invitae Variant Classification Sherloc (09022015). Collection method: clinical testing. Allele origin: germline.
Comment: This sequence change replaces isoleucine, which is neutral and non-polar, with serine, which is neutral and polar, at codon 306 of the SI protein (p.Ile306Ser). This variant is present in population databases (rs369903847, gnomAD 0.01%). This variant has not been reported in the literature in individuals affected with SI-related conditions. ClinVar contains an entry for this variant (Variation ID: 1522260). Advanced modeling of protein sequence and biophysical properties (such as structural, functional, and spatial information, amino acid conservation, physicochemical variation, residue mobility, and thermodynamic stability) performed at Invitae indicates that this missense variant is expected to disrupt SI protein function. In summary, the available evidence is currently insufficient to determine the role of this variant in disease. Therefore, it has been classified as a Variant of Uncertain Significance.